The following is an entry in ClinVar:

NM_000392.5(ABCC2):c.3492C>T (p.Ser1164=)

Gene: ABCC2 (ATP binding cassette subfamily C member 2; plus strand). Cytogenetic location: 10q24.2.
Variant type: single nucleotide variant.
Coding change: c.3492C>T on transcript NM_000392.5 (MANE Select); coding-DNA position 3492, C replaced by T.
Protein change: p.Ser1164=; no amino-acid change (serine 1164 retained).
Molecular consequence: synonymous variant.
Genome position (GRCh38, 1-based): chr10:99,836,168, C>T. VCF-style: chr10-99836168-C-T. GRCh37 (hg19) VCF-style: chr10-101595925-C-T.
Other names: p.Ser1164=; c.3492C>T, p.Ser1164= (LRG_1208t1).
Identifiers: ClinVar variation 298465 (VCV000298465.23), dbSNP rs144192700, ClinGen allele CA5643826.

ClinVar aggregate classification (germline): Conflicting classifications of pathogenicity. Review status: criteria provided, conflicting classifications (1 of 4 stars). 6 submissions from 6 submitters: Uncertain significance (2); Benign (1); Likely benign (2). 1 of the submissions does not count toward it. Last evaluated 2026-01-28.

Conditions:
ABCC2-related disorder. Also called: ABCC2-related condition.
Dubin-Johnson syndrome (DJS). Also called: HYPERBILIRUBINEMIA, DUBIN-JOHNSON TYPE; Hyperbilirubinemia type 2; Jaundice, Chronic Idiopathic. Identifiers: Orphanet 234, MedGen C0022350, MONDO:0009380, OMIM 237500.

Allele frequency attached by ClinVar (database versions not stated): 1000 Genomes Project 30x 0.00031; 1000 Genomes Project 0.00040; gnomAD exomes 0.00111; ExAC 0.00113; ESP Exome Variant Server 0.00115; gnomAD 0.00119 and 0.00159; TOPMed 0.00138.
gnomAD v4.1: 2,492 of 1,614,134 alleles (0.15%); highest among the groups gnomAD compares: Non-Finnish European, 0.17%; 3 homozygotes.

Submissions (10):

Labcorp Genetics (formerly Invitae), Labcorp
Classification: Benign. Last evaluated: 2026-01-28. Review status: criteria provided, single submitter. Criteria: Invitae Variant Classification Sherloc (09022015). Collection method: clinical testing. Allele origin: germline.

Mayo Clinic Laboratories, Mayo Clinic
Classification: Likely benign. Last evaluated: 2024-12-12. Review status: criteria provided, single submitter. Criteria: ACMG Guidelines, 2015. Collection method: clinical testing. Allele origin: germline. Observed: 1 variant allele.
Comment: BP4, BP7

Blueprint Genetics
Classification: Likely benign. Last evaluated: 2024-11-26. Review status: criteria provided, single submitter. Criteria: ACMG Guidelines, 2015. Collection method: clinical testing. Allele origin: germline.

Eurofins Ntd Llc (ga)
Classification: Uncertain significance. Last evaluated: 2018-03-22. Review status: criteria provided, single submitter. Criteria: EGL ClinVar v180209 classification definitions. Collection method: clinical testing. Allele origin: germline. Observed: 6 variant alleles, 6 heterozygotes.

Illumina Laboratory Services, Illumina
Classification: Uncertain significance for Dubin-Johnson syndrome. Last evaluated: 2018-01-13. Review status: criteria provided, single submitter. Criteria: ICSL Variant Classification Criteria 13 December 2019. Collection method: clinical testing. Allele origin: germline.

PreventionGenetics, part of Exact Sciences
Classification: Likely benign for ABCC2-related condition. Last evaluated: 2019-12-24. Review status: no assertion criteria provided. Collection method: clinical testing. Allele origin: germline. Not counted in ClinVar's aggregate classification.
Comment: This variant is classified as likely benign based on ACMG/AMP sequence variant interpretation guidelines (Richards et al. 2015 PMID: 25741868, with internal and published modifications).

Dr. Peter K. Rogan Lab, Western University
No classification provided (evidence only). Condition: Melanoma. Review status: no classification provided. Collection method: in vitro. Allele origin: not applicable. Functional consequence: retained intron. Not counted in ClinVar's aggregate classification.

Dr. Peter K. Rogan Lab, Western University
No classification provided (evidence only). Condition: Familial cancer of breast. Review status: no classification provided. Collection method: in vitro. Allele origin: not applicable. Functional consequence: retained intron. Not counted in ClinVar's aggregate classification.

Dr. Peter K. Rogan Lab, Western University
No classification provided (evidence only). Condition: Hepatocellular carcinoma. Review status: no classification provided. Collection method: in vitro. Allele origin: not applicable. Functional consequence: skipped exon. Not counted in ClinVar's aggregate classification.

Dr. Peter K. Rogan Lab, Western University
No classification provided (evidence only). Condition: Hepatocellular carcinoma. Review status: no classification provided. Collection method: in vitro. Allele origin: not applicable. Functional consequence: skipped exon, retained intron. Not counted in ClinVar's aggregate classification.